The following is an entry in ClinVar:

NM_001164508.2(NEB):c.23742+11T>C

Genes: NEB (nebulin; minus strand), RIF1 (replication timing regulatory factor 1; plus strand). Cytogenetic location: 2q23.3.
Variant type: single nucleotide variant.
Coding change: c.23742+11T>C on transcript NM_001164508.2 (MANE Select); 11 bases into the intron after coding-DNA position 23742, T replaced by C.
Molecular consequence: intron variant.
Genome position (GRCh38, 1-based): chr2:151,505,467, A>G on the plus strand (T>C on the coding strand, the complement: NEB is on the minus strand). VCF-style: chr2-151505467-A-G. GRCh37 (hg19) VCF-style: chr2-152361981-A-G.
Other names: c.18639+11T>C (NM_004543.5); c.23742+11T>C (NM_001164507.2); c.23847+11T>C (NM_001271208.2).
Identifiers: ClinVar variation 390459 (VCV000390459.5), dbSNP rs374368246, ClinGen allele CA1906267.

ClinVar aggregate classification (germline): Likely benign. Review status: criteria provided, multiple submitters, no conflicts (2 of 4 stars). 2 submissions from 2 submitters: Likely benign (2). Last evaluated 2024-01-04.

Conditions:
Nemaline myopathy 2 (NEM2). Also called: Nemaline myopathy 2, autosomal recessive. Identifiers: MedGen C1850569, MONDO:0009725, OMIM 256030.

Allele frequency attached by ClinVar (database versions not stated): ESP Exome Variant Server 0.00008; TOPMed 0.00009; gnomAD 0.00013 and 0.00012; ExAC 0.00001; gnomAD exomes 0.00001.
gnomAD v4.1: 31 of 1,609,822 alleles (0.0019%); highest among the groups gnomAD compares: African/African-American, 0.036%; no homozygotes.

Submissions (2):

Labcorp Genetics (formerly Invitae), Labcorp
Classification: Likely benign for Nemaline myopathy 2. Last evaluated: 2024-01-04. Review status: criteria provided, single submitter. Criteria: Invitae Variant Classification Sherloc (09022015). Collection method: clinical testing. Allele origin: germline.

GeneDx
Classification: Likely benign. Last evaluated: 2016-11-11. Review status: criteria provided, single submitter. Criteria: GeneDx Variant Classification (06012015). Collection method: clinical testing. Allele origin: germline. Affected: yes.
Comment: This variant is considered likely benign or benign based on one or more of the following criteria: it is a conservative change, it occurs at a poorly conserved position in the protein, it is predicted to be benign by multiple in silico algorithms, and/or has population frequency not consistent with disease.